The following is an entry in ClinVar:

ClinVar aggregate classification (germline): Pathogenic (0 of 4 stars; one submission).

Conditions:
Carcinoma of colon (CRC). Also called: Colonic carcinoma; Colon carcinoma. Identifiers: MedGen C0699790, MONDO:0002032.

Submission:

Department of Pathology and Laboratory Medicine, Sinai Health System
Classification: Pathogenic for Carcinoma of colon. Review status: no assertion criteria provided. Collection method: clinical testing. Allele origin: unknown. Affected: yes. Study: The Canadian Open Genetics Repository (COGR).
Comment: The APC p.Tyr1027IlefsX10 variant was not identified in the literature nor was it identified in the dbSBP, ClinVar, Cosmic, MutDB, Insight Colon Cancer Gene Variant Database, Zhejiang Colon Cancer Database, databases. The variant was identified in UMD-LSDB (2X as causal). The variant was not identified in the 1000 Genomes Project, the NHLBI GO Exome Sequencing Project or the Exome Aggregation Consortium (August 8th 2016) control databases. The p.Tyr1027IlefsX10 variant is predicted to cause a frameshift, which alters the protein's amino acid sequence beginning at codon 1027 and leads to a premature stop codon at position 1036. This alteration is then predicted to result in a truncated or absent protein and loss of function. Loss of function variants of the APC gene are an established mechanism of disease in hereditary colon cancer and is the type of variant expected to cause the disorder. In summary, based on the above information this variant meets our laboratoryâ€šÃ„Ã´s criteria to be classified as pathogenic.

NM_000038.6(APC):c.3079del (p.Tyr1027fs)

Gene: APC (APC regulator of Wnt signaling pathway; plus strand). Cytogenetic location: 5q22.2.
Variant type: Deletion.
Coding change: c.3079del on transcript NM_000038.6 (MANE Select); coding-DNA position 3079, one base deleted (T; older notation c.3079delT).
Protein change: p.Tyr1027fs; shifts the reading frame from tyrosine 1027.
Molecular consequence: frameshift variant.
Genome position (GRCh38, 1-based): chr5:112,838,673, T deleted; the last of 2 consecutive T bases (chr5:112,838,672-112,838,673); deleting either gives the same sequence. VCF-style (leftmost placement, unchanged base first): chr5-112838671-AT-A. GRCh37 (hg19) VCF-style: chr5-112174368-AT-A.
Other names: c.3079del, p.Tyr1027fs (NM_001127510.3, NM_001354895.2); c.3025del, p.Tyr1009fs (NM_001127511.3); c.3133del, p.Tyr1045fs (NM_001354896.2); c.3109del, p.Tyr1037fs (NM_001354897.2); c.3004del, p.Tyr1002fs (NM_001354898.2); c.2995del, p.Tyr999fs (NM_001354899.2); c.2956del, p.Tyr986fs (NM_001354900.2); c.2902del, p.Tyr968fs (NM_001354901.2); and 5 more; short protein forms Y1002fs, Y1009fs, Y1027fs, Y1037fs, Y1045fs, Y744fs, Y867fs, Y901fs.
Identifiers: ClinVar variation 1050689 (VCV001050689.1), dbSNP rs863225337, ClinGen allele CA658760870.